The following is an entry in ClinVar:

ClinVar aggregate classification (germline): Pathogenic/Likely pathogenic. Review status: criteria provided, multiple submitters, no conflicts (2 of 4 stars). 6 submissions from 6 submitters: Pathogenic (4); Likely pathogenic (2). Last evaluated 2026-09-08.

Conditions:
Fabry disease. Also called: Ceramide trihexosidosis; ALPHA-GALACTOSIDASE A DEFICIENCY; ANDERSON-FABRY DISEASE; CERAMIDE TRIHEXOSIDASE DEFICIENCY; GLA DEFICIENCY; HEREDITARY DYSTOPIC LIPIDOSIS. Identifiers: Orphanet 324, MedGen C0002986, MONDO:0010526, OMIM 301500, HP:0001071. Disease mechanism: Fabry disease is due to inactivating mutations in the X-linked GLA gene resulting in deficiency of the enzyme Alpha Galactosidase-A., loss of function.

Submissions (6):

Genomenon, Inc
Classification: Pathogenic for Fabry disease. Last evaluated: 2026-09-08. Review status: criteria provided, single submitter. Criteria: Genomenon Sequence Variant Interpretation Standards - Updated. Collection method: curation. Allele origin: germline. Affected: yes.
Comment: GLA p.Gly328Arg (c.982G>C) is a missense variant that changes the amino acid at codon 328 from Glycine to Arginine. This variant has been observed in at least one proband with clinical features consistent with Fabry disease (PMID:26415523;30988410;39669636;30677769;30468909;32843101;27265676;25955246). The variant was found to segregate with disease in at least one affected family (PMID:30468909). At least one functional study has demonstrated a substantial alteration in protein function relative to the wild-type (PMID:26415523). It is absent or not present at a significant frequency in gnomAD. In silico models predict that this variant is possibly or probably damaging. In conclusion, we classify GLA p.Gly328Arg (c.982G>C) as a pathogenic variant.

Revvity Omics, Revvity
Classification: Pathogenic. Last evaluated: 2021-09-25. Review status: criteria provided, single submitter. Criteria: ACMG Guidelines, 2015. Collection method: clinical testing. Allele origin: germline.

Genome-Nilou Lab
Classification: Likely pathogenic for Fabry disease. Last evaluated: 2021-07-15. Review status: criteria provided, single submitter. Criteria: ACMG Guidelines, 2015. Collection method: clinical testing. Allele origin: germline. Affected: no.

CENTOGENE GmbH and LLC - Guiding Precision Medicine
Classification: Pathogenic for Fabry disease. Last evaluated: 2018-09-04. Review status: criteria provided, single submitter. Criteria: ACMG Guidelines, 2015. Collection method: clinical testing. Allele origin: germline. Affected: yes.

Women's Health and Genetics/Laboratory Corporation of America, LabCorp
Classification: Likely pathogenic for Fabry disease. Last evaluated: 2018-06-27. Review status: criteria provided, single submitter. Criteria: LabCorp Variant Classification Summary - May 2015. Collection method: clinical testing. Allele origin: germline.
Comment: Variant summary: GLA c.982G>C (p.Gly328Arg) results in a non-conservative amino acid change located in the Alpha galactosidase A, C-terminal beta-sandwich domain of the encoded protein sequence. Five of five in-silico tools predict a damaging effect of the variant on protein function. The variant was absent in 178747 control chromosomes. c.982G>C has been reported in the literature in two individuals affected with Fabry Disease (Lukas_2016, Wijburg_2015). In addition, multiple publications cite p.Gly328Arg in patients with Fabry disease, however a different nucleotide change resulting in the same amino acid change also has been reported (c.982G>A), and these publications do not specify the nucleotide change (Biancini_2012, Frustaci_2001, Lenders_2016). These data indicate that the variant is likely to be associated with disease and reflect the functional importance of this residue.. A functional in vitro study in which enzyme activity was tested in HEK-293H cells expressing the variant of interest showed completely absent enzyme activity, and plasma lyso-Gb3 levels were significantly elevated in the patient carrying the variant (Lukas_2016). One clinical diagnostic laboratory has submitted clinical-significance assessments for this variant to ClinVar after 2014 without evidence for independent evaluation and has classified the variant as pathogenic. Based on the evidence outlined above, the variant was classified as likely pathogenic.

Eurofins Ntd Llc (ga)
Classification: Pathogenic. Last evaluated: 2015-03-18. Review status: criteria provided, single submitter. Criteria: EGL Classification Definitions 2015. Collection method: clinical testing. Allele origin: germline. Observed: 6 variant alleles, 6 heterozygotes.

Literature cited by the submitters: PubMed 26415523 (cited by Genomenon, Inc and Women's Health and Genetics/Laboratory Corporation of America, LabCorp); PubMed 30988410 (cited by Genomenon, Inc); PubMed 39669636 (cited by Genomenon, Inc); PubMed 30677769 (cited by Genomenon, Inc); PubMed 30468909 (cited by Genomenon, Inc); PubMed 32843101 (cited by Genomenon, Inc); PubMed 27265676 (cited by Genomenon, Inc); PubMed 25955246 (cited by Genomenon, Inc).

NM_000169.3(GLA):c.982G>C (p.Gly328Arg)

Genes: GLA (galactosidase alpha; minus strand), RPL36A-HNRNPH2 (RPL36A-HNRNPH2 readthrough; plus strand). Cytogenetic location: Xq22.1.
Variant type: single nucleotide variant.
Coding change: c.982G>C on transcript NM_000169.3 (MANE Select); coding-DNA position 982, G replaced by C.
Protein change: p.Gly328Arg; replaces glycine 328 with arginine.
Molecular consequence: missense variant. On other transcripts: non-coding transcript variant (3), intron variant (2).
Genome position (GRCh38, 1-based): chrX:101,398,387, C>G on the plus strand (G>C on the coding strand, the complement: GLA is on the minus strand). VCF-style: chrX-101398387-C-G. GRCh37 (hg19) VCF-style: chrX-100653375-C-G.
Other names: c.1105G>C, p.Gly369Arg (NM_001406747.1); c.982G>C, p.Gly328Arg (NM_001406748.1); c.300+2930C>G (NM_001199973.2); c.177+6565C>G (NM_001199974.2); short protein forms G328R, G369R.
Identifiers: ClinVar variation 198053 (VCV000198053.14), dbSNP rs104894832, ClinGen allele CA022260.